The following is an entry in ClinVar:

NM_201596.3(CACNB2):c.1148A>G (p.Gln383Arg)

Gene: CACNB2 (calcium voltage-gated channel auxiliary subunit beta 2; plus strand). Cytogenetic location: 10p12.31.
Variant type: single nucleotide variant.
Coding change: c.1148A>G on transcript NM_201596.3 (MANE Select); coding-DNA position 1148, A replaced by G.
Protein change: p.Gln383Arg; replaces glutamine 383 with arginine.
Molecular consequence: missense variant.
Genome position (GRCh38, 1-based): chr10:18,534,169, A>G. VCF-style: chr10-18534169-A-G. GRCh37 (hg19) VCF-style: chr10-18823098-A-G.
Other names: c.983A>G, p.Gln328Arg (NM_000724.4); c.950A>G, p.Gln317Arg (NM_001167945.2); c.869A>G, p.Gln290Arg (NM_001330060.2); c.890A>G, p.Gln297Arg (NM_001410882.1); c.1004A>G, p.Gln335Arg (NM_201570.3); c.1064A>G, p.Gln355Arg (NM_201571.4); c.992A>G, p.Gln331Arg (NM_201572.4); c.986A>G, p.Gln329Arg (NM_201590.3); and 2 more; short protein forms Q328R, Q345R, Q297R, Q335R, Q359R, Q383R, Q290R, Q317R.
Identifiers: ClinVar variation 1768439 (VCV001768439.3), dbSNP rs2494778786, ClinGen allele CA376067955.

ClinVar aggregate classification (germline): Uncertain significance (1 of 4 stars; one submission).

Conditions:
Cardiovascular phenotype. Identifiers: MedGen CN230736.

Submission:

Ambry Genetics
Classification: Uncertain significance for Cardiovascular phenotype. Last evaluated: 2025-01-13. Review status: criteria provided, single submitter. Criteria: Ambry Variant Classification Scheme 2023. Collection method: clinical testing. Allele origin: germline.
Comment: The p.Q329R variant (also known as c.986A>G), located in coding exon 10 of the CACNB2 gene, results from an A to G substitution at nucleotide position 986. The glutamine at codon 329 is replaced by arginine, an amino acid with highly similar properties. This amino acid position is conserved. In addition, this alteration is predicted to be deleterious by in silico analysis. Since supporting evidence is limited at this time, the clinical significance of this alteration remains unclear.